The following is an entry in ClinVar:

ClinVar aggregate classification (germline): Uncertain significance (1 of 4 stars; one submission).

Conditions:
T-cell immunodeficiency, congenital alopecia, and nail dystrophy. Also called: Congenital alopecia and nail dystrophy associated with severe functional T-cell immunodeficiency; Pignata Guarino syndrome. Identifiers: Orphanet 169095, MedGen C1866426, MONDO:0011132, OMIM 601705.

Allele frequency attached by ClinVar (database versions not stated): TOPMed below 0.00001; ExAC 0.00001; gnomAD 0.00001; gnomAD exomes 0.00001.
gnomAD v4.1: 9 of 1,614,022 alleles (0.00056%); highest among the groups gnomAD compares: East Asian, 0.0022%; no homozygotes.

Submission:

Labcorp Genetics (formerly Invitae), Labcorp
Classification: Uncertain significance for T-cell immunodeficiency, congenital alopecia, and nail dystrophy. Last evaluated: 2023-12-19. Review status: criteria provided, single submitter. Criteria: Invitae Variant Classification Sherloc (09022015). Collection method: clinical testing. Allele origin: germline.
Comment: This sequence change replaces proline, which is neutral and non-polar, with serine, which is neutral and polar, at codon 438 of the FOXN1 protein (p.Pro438Ser). This variant is present in population databases (rs767783215, gnomAD 0.006%). This variant has not been reported in the literature in individuals affected with FOXN1-related conditions. Advanced modeling of protein sequence and biophysical properties (such as structural, functional, and spatial information, amino acid conservation, physicochemical variation, residue mobility, and thermodynamic stability) performed at Invitae indicates that this missense variant is not expected to disrupt FOXN1 protein function with a negative predictive value of 80%. In summary, the available evidence is currently insufficient to determine the role of this variant in disease. Therefore, it has been classified as a Variant of Uncertain Significance.

NM_001369369.1(FOXN1):c.1312C>T (p.Pro438Ser)

Gene: FOXN1 (forkhead box N1; plus strand). Cytogenetic location: 17q11.2.
Variant type: single nucleotide variant.
Coding change: c.1312C>T on transcript NM_001369369.1 (MANE Select); coding-DNA position 1312, C replaced by T.
Protein change: p.Pro438Ser; replaces proline 438 with serine.
Molecular consequence: missense variant.
Genome position (GRCh38, 1-based): chr17:28,534,883, C>T. VCF-style: chr17-28534883-C-T. GRCh37 (hg19) VCF-style: chr17-26861901-C-T.
Other names: c.1312C>T, p.Pro438Ser (NM_003593.3); short protein forms P438S.
Identifiers: ClinVar variation 2898634 (VCV002898634.3), dbSNP rs767783215, ClinGen allele CA8459499.